The following is an entry in ClinVar:

ClinVar aggregate classification (germline): Conflicting classifications of pathogenicity. Review status: criteria provided, conflicting classifications (1 of 4 stars). 4 submissions from 4 submitters: Uncertain significance (3); Benign (1). Last evaluated 2025-08-11.

Allele frequency attached by ClinVar (database versions not stated): gnomAD exomes below 0.00001 and 0.00001; TOPMed 0.00001; gnomAD 0.00002; ExAC 0.00001.
gnomAD v4.1: 8 of 1,613,616 alleles (0.0005%); highest among the groups gnomAD compares: African/African-American, 0.0053%; no homozygotes.

Submissions (4):

GeneDx
Classification: Uncertain significance. Last evaluated: 2025-08-11. Review status: criteria provided, single submitter. Criteria: GeneDx Variant Classification Process June 2021. Collection method: clinical testing. Allele origin: germline. Affected: yes.
Comment: In silico analysis supports that this missense variant has a deleterious effect on protein structure/function; Has not been previously published as pathogenic or benign to our knowledge

Labcorp Genetics (formerly Invitae), Labcorp
Classification: Benign. Last evaluated: 2025-04-10. Review status: criteria provided, single submitter. Criteria: Invitae Variant Classification Sherloc (09022015). Collection method: clinical testing. Allele origin: germline.

Laboratory for Molecular Medicine, Mass General Brigham Personalized Medicine
Classification: Uncertain significance. Last evaluated: 2019-09-25. Review status: criteria provided, single submitter. Criteria: LMM Criteria. Collection method: clinical testing. Allele origin: germline. Observed: 1 variant allele.
Comment: The p.Tyr559His variant in ADGRV1 has not been previously reported in individuals with hearing loss or Usher syndrome but has been identified in 0.01% (2/15484) of African chromosomes by gnomAD. This variant has also been reported in ClinVar (Variation ID 199175). Computational prediction tools and conservation analyses do not provide strong support for or against an impact to the protein. In summary, the clinical significance of this variant is uncertain. ACMG/AMP Criteria applied: PM2_Supporting.

Eurofins Ntd Llc (ga)
Classification: Uncertain significance. Last evaluated: 2014-06-06. Review status: criteria provided, single submitter. Criteria: EGL Classification Definitions 2015. Collection method: clinical testing. Allele origin: germline. Observed: 1 variant allele, 1 heterozygote.

NM_032119.4(ADGRV1):c.1675T>C (p.Tyr559His)

Gene: ADGRV1 (adhesion G protein-coupled receptor V1; plus strand). Cytogenetic location: 5q14.3.
Variant type: single nucleotide variant.
Coding change: c.1675T>C on transcript NM_032119.4 (MANE Select); coding-DNA position 1675, T replaced by C.
Protein change: p.Tyr559His; replaces tyrosine 559 with histidine.
Molecular consequence: missense variant. On other transcripts: non-coding transcript variant (1).
Genome position (GRCh38, 1-based): chr5:90,629,375, T>C. VCF-style: chr5-90629375-T-C. GRCh37 (hg19) VCF-style: chr5-89925192-T-C.
Other names: c.1675T>C (NM_032119.3); short protein forms Y559H.
Identifiers: ClinVar variation 199175 (VCV000199175.11), dbSNP rs779671690, ClinGen allele CA248238.